The following is an entry in ClinVar:

ClinVar aggregate classification (germline): Uncertain significance (1 of 4 stars; one submission).

Submission:

Labcorp Genetics (formerly Invitae), Labcorp
Classification: Uncertain significance. Last evaluated: 2021-01-08. Review status: criteria provided, single submitter. Criteria: Invitae Variant Classification Sherloc (09022015). Collection method: clinical testing. Allele origin: germline.
Comment: This variant has not been reported in the literature in individuals with ANKZF1-related conditions. This variant is not present in population databases (ExAC no frequency). This sequence change falls in intron 12 of the ANKZF1 gene. It does not directly change the encoded amino acid sequence of the ANKZF1 protein. It affects a nucleotide within the consensus splice site of the intron. In summary, the available evidence is currently insufficient to determine the role of this variant in disease. Therefore, it has been classified as a Variant of Uncertain Significance. Nucleotide substitutions within the consensus splice site are a relatively common cause of aberrant splicing (PMID: 17576681, 9536098). Algorithms developed to predict the effect of sequence changes on RNA splicing suggest that this variant may disrupt the consensus splice site, but this prediction has not been confirmed by published transcriptional studies.

Literature cited by the submitters: PubMed 17576681; PubMed 9536098.

NM_018089.3(ANKZF1):c.1972-2dup

Gene: ANKZF1 (ankyrin repeat and zinc finger peptidyl tRNA hydrolase 1; plus strand). Cytogenetic location: 2q35.
Variant type: Duplication.
Coding change: c.1972-2dup on transcript NM_018089.3 (MANE Select); the canonical splice acceptor site of the intron before coding-DNA position 1972, one base duplicated (A; older notation c.1972-2dupA).
Molecular consequence: splice acceptor variant.
Genome position (GRCh38, 1-based): chr2:219,236,008, A duplicated. VCF-style (leftmost placement, unchanged base first): chr2-219236007-C-CA. GRCh37 (hg19) VCF-style: chr2-220100729-C-CA.
Other names: c.1972-2dup (NM_001042410.2); c.1342-2dup (NM_001282792.2).
Identifiers: ClinVar variation 1477227 (VCV001477227.6), dbSNP rs2106469060, ClinGen allele CA2573135366.